The following is an entry in ClinVar:

NM_177438.3(DICER1):c.1284_1285del (p.Lys429fs)

Gene: DICER1 (dicer 1, ribonuclease III; minus strand). Cytogenetic location: 14q32.13.
Variant type: Microsatellite.
Coding change: c.1284_1285del on transcript NM_177438.3 (MANE Select); coding-DNA positions 1284 to 1285, 2 bases deleted (GA; older notation c.1284_1285delGA).
Protein change: p.Lys429fs; shifts the reading frame from lysine 429.
Molecular consequence: frameshift variant.
Genome position (GRCh38, 1-based): chr14:95,124,287-95,124,288, TC deleted on the plus strand (GA on the coding strand, the reverse complement: DICER1 is on the minus strand); deleting any 2 consecutive bases within chr14:95,124,287-95,124,291 gives the same sequence; the c. name uses the placement nearest the transcript's 3' end. VCF-style (leftmost placement, unchanged base first): chr14-95124286-TTC-T. GRCh37 (hg19) VCF-style: chr14-95590623-TTC-T.
Other names: c.1284_1285delGA (NM_177438.2); c.1284_1285del, p.Lys429fs (NM_001195573.1, NM_001271282.3, NM_001291628.2 and 1 more transcripts); c.1284_1285del (NM_177438.2); short protein forms K429fs.
Identifiers: ClinVar variation 933055 (VCV000933055.42), dbSNP rs1893193729, ClinGen allele CA2156316357.
Genomic context (GRCh38, chr14:95,124,286, plus strand): 5'-TCCACAAAAATAATTCCGCACAAAATGTTGGTAAAAGGAGAAGGAAAATTTGTCTCTGGC[TTC>T]TCTTTTTCTTCAATTTCTTCATCCTCATCATCATCCTCAGAATCACTCCATGACACATAA-3'

ClinVar aggregate classification (germline): Pathogenic. Review status: criteria provided, multiple submitters, no conflicts (2 of 4 stars). 3 submissions from 3 submitters: Pathogenic (3). Last evaluated 2026-03-16.

Conditions:
DICER1-related tumor predisposition. Also called: DICER1-related pleuropulmonary blastoma cancer predisposition syndrome; DICER1 syndrome. Identifiers: Orphanet 284343, MedGen C3839822, MONDO:0100216.

Submissions (3):

GeneDx
Classification: Pathogenic. Last evaluated: 2026-03-16. Review status: criteria provided, single submitter. Criteria: GeneDx Variant Classification Process June 2021. Collection method: clinical testing. Allele origin: germline.
Comment: Frameshift variant predicted to result in protein truncation or nonsense mediated decay in a gene for which loss of function is a known mechanism of disease; Not observed at significant frequency in large population cohorts (gnomAD); This variant is associated with the following publications: (PMID: 28654427, 24481001, 40448797, 24839956)

CeGaT Center for Human Genetics Tuebingen
Classification: Pathogenic. Last evaluated: 2021-02-01. Review status: criteria provided, single submitter. Criteria: CeGaT Center For Human Genetics Tuebingen Variant Classification Criteria Version 2. Collection method: clinical testing. Allele origin: germline. Affected: yes. Observed: 2 variant alleles.

Foulkes Cancer Genetics LDI, Lady Davis Institute for Medical Research
Classification: Pathogenic for Pleuropulmonary blastoma. Last evaluated: 2019-07-01. Review status: criteria provided, single submitter. Criteria: ACMG Guidelines, 2015. Collection method: curation. Allele origin: germline. Affected: yes. Observed: 3 variant alleles.
Comment: ACMG criteria met: PVS1, PM2, PM7, PP4

Literature cited by the submitters: PubMed 24481001 (cited by Foulkes Cancer Genetics LDI, Lady Davis Institute for Medical Research); PubMed 24839956 (cited by Foulkes Cancer Genetics LDI, Lady Davis Institute for Medical Research); PubMed 28654427 (cited by Foulkes Cancer Genetics LDI, Lady Davis Institute for Medical Research).